The following is an entry in ClinVar:

ClinVar aggregate classification (germline): Uncertain significance (1 of 4 stars; one submission).

Conditions:
Multiple sulfatase deficiency (MSD). Also called: Mucosulfatidosis; Multiple Sulfatase Deficiency Disease; Sulfatidosis, Juvenile, Austin Type. Identifiers: Orphanet 585, MedGen C0268263, MONDO:0010088, OMIM 272200.

Allele frequency attached by ClinVar (database versions not stated): gnomAD exomes below 0.00001; TOPMed below 0.00001; gnomAD 0.00001.
gnomAD v4.1: 2 of 1,614,024 alleles (0.00012%); highest among the groups gnomAD compares: Non-Finnish European, 0.00017%; no homozygotes.

Submission:

Labcorp Genetics (formerly Invitae), Labcorp
Classification: Uncertain significance for Multiple sulfatase deficiency. Last evaluated: 2024-11-12. Review status: criteria provided, single submitter. Criteria: Invitae Variant Classification Sherloc (09022015). Collection method: clinical testing. Allele origin: germline.
Comment: This sequence change replaces serine, which is neutral and polar, with cysteine, which is neutral and slightly polar, at codon 333 of the SUMF1 protein (p.Ser333Cys). This variant is not present in population databases (gnomAD no frequency). This variant has not been reported in the literature in individuals affected with SUMF1-related conditions. ClinVar contains an entry for this variant (Variation ID: 1946312). Invitae Evidence Modeling of protein sequence and biophysical properties (such as structural, functional, and spatial information, amino acid conservation, physicochemical variation, residue mobility, and thermodynamic stability) indicates that this missense variant is expected to disrupt SUMF1 protein function with a positive predictive value of 95%. In summary, the available evidence is currently insufficient to determine the role of this variant in disease. Therefore, it has been classified as a Variant of Uncertain Significance.

NM_182760.4(SUMF1):c.998C>G (p.Ser333Cys)

Gene: SUMF1 (sulfatase modifying factor 1; minus strand). Cytogenetic location: 3p26.1.
Variant type: single nucleotide variant.
Coding change: c.998C>G on transcript NM_182760.4 (MANE Select); coding-DNA position 998, C replaced by G.
Protein change: p.Ser333Cys; replaces serine 333 with cysteine.
Molecular consequence: missense variant. On other transcripts: intron variant (1).
Genome position (GRCh38, 1-based): chr3:4,376,346, G>C on the plus strand (C>G on the coding strand, the complement: SUMF1 is on the minus strand). VCF-style: chr3-4376346-G-C. GRCh37 (hg19) VCF-style: chr3-4418030-G-C.
Other names: c.923C>G, p.Ser308Cys (NM_001164674.2); c.955-14092C>G (NM_001164675.2); short protein forms S308C, S333C.
Identifiers: ClinVar variation 1946312 (VCV001946312.5), dbSNP rs1700327970, ClinGen allele CA351628229.